The following is an entry in ClinVar:

ClinVar aggregate classification (germline): Uncertain significance (1 of 4 stars; one submission).

Conditions:
Primary dilated cardiomyopathy (DCM). Also called: Dilated Cardiomyopathy. Identifiers: Orphanet 217604, MedGen C0007193, MeSH D002311, MONDO:0005021, HP:0001644. Inheritance: Various modes of inheritance.
Hypertrophic cardiomyopathy. Also called: HYPERTROPHIC MYOCARDIOPATHY. Identifiers: Orphanet 217569, MedGen C0007194, MeSH D002312, MONDO:0005045, HP:0001639.

Submission:

Labcorp Genetics (formerly Invitae), Labcorp
Classification: Uncertain significance for Hypertrophic cardiomyopathy; Primary dilated cardiomyopathy. Last evaluated: 2025-03-10. Review status: criteria provided, single submitter. Criteria: Invitae Variant Classification Sherloc (09022015). Collection method: clinical testing. Allele origin: germline.
Comment: This sequence change replaces arginine, which is basic and polar, with leucine, which is neutral and non-polar, at codon 348 of the PDLIM3 protein (p.Arg348Leu). This variant is not present in population databases (gnomAD no frequency). This variant has not been reported in the literature in individuals affected with PDLIM3-related conditions. ClinVar contains an entry for this variant (Variation ID: 1366274). Invitae Evidence Modeling of protein sequence and biophysical properties (such as structural, functional, and spatial information, amino acid conservation, physicochemical variation, residue mobility, and thermodynamic stability) indicates that this missense variant is not expected to disrupt PDLIM3 protein function with a negative predictive value of 80%. In summary, the available evidence is currently insufficient to determine the role of this variant in disease. Therefore, it has been classified as a Variant of Uncertain Significance.

NM_014476.6(PDLIM3):c.1043G>T (p.Arg348Leu)

Gene: PDLIM3 (PDZ and LIM domain 3; minus strand). Cytogenetic location: 4q35.1.
Variant type: single nucleotide variant.
Coding change: c.1043G>T on transcript NM_014476.6 (MANE Select); coding-DNA position 1043, G replaced by T.
Protein change: p.Arg348Leu; replaces arginine 348 with leucine.
Molecular consequence: missense variant. On other transcripts: non-coding transcript variant (1).
Genome position (GRCh38, 1-based): chr4:185,502,346, C>A on the plus strand (G>T on the coding strand, the complement: PDLIM3 is on the minus strand). VCF-style: chr4-185502346-C-A. GRCh37 (hg19) VCF-style: chr4-186423500-C-A.
Other names: c.899G>T, p.Arg300Leu (NM_001114107.5); c.779G>T, p.Arg260Leu (NM_001257962.2); c.542G>T, p.Arg181Leu (NM_001257963.2); short protein forms R348L, R260L, R300L, R181L.
Identifiers: ClinVar variation 1366274 (VCV001366274.8), dbSNP rs764823333, ClinGen allele CA358919252.